The following is an entry in ClinVar:

NM_004393.6(DAG1):c.193G>A (p.Val65Ile)

Gene: DAG1 (dystroglycan 1; plus strand). Cytogenetic location: 3p21.31.
Variant type: single nucleotide variant.
Coding change: c.193G>A on transcript NM_004393.6 (MANE Select); coding-DNA position 193, G replaced by A.
Protein change: p.Val65Ile; replaces valine 65 with isoleucine.
Molecular consequence: missense variant.
Genome position (GRCh38, 1-based): chr3:49,510,727, G>A. VCF-style: chr3-49510727-G-A. GRCh37 (hg19) VCF-style: chr3-49548160-G-A.
Other names: c.193G>A, p.Val65Ile (NM_001165928.4, NM_001177634.3, NM_001177635.3 and 9 more transcripts); c.193G>A (NM_004393.4); short protein forms V65I.
Identifiers: ClinVar variation 471770 (VCV000471770.6), dbSNP rs757379579, ClinGen allele CA2398840.
Genomic context (GRCh38, chr3:49,510,727, plus strand): 5'-CAGCTTGAGGCATCCATGCACTCAGTGCTCTCAGACCTCCACGAGGCTGTTCCCACAGTG[G>A]TTGGCATTCCTGATGGCACGGCTGTCGTCGGGCGCTCATTTCGAGTGACCATTCCAACAG-3'
Protein context (NP_004384.5, residues 55-75): SDLHEAVPTV[Val65Ile]GIPDGTAVVG

ClinVar aggregate classification (germline): Uncertain significance. Review status: criteria provided, multiple submitters, no conflicts (2 of 4 stars). 2 submissions from 2 submitters: Uncertain significance (2). Last evaluated 2024-01-19.

Conditions:
Inborn genetic diseases. Identifiers: MedGen C0950123, MeSH D030342.
Autosomal recessive limb-girdle muscular dystrophy type 2P. Also called: MUSCULAR DYSTROPHY-DYSTROGLYCANOPATHY, LIMB-GIRDLE, DAG1-RELATED; MUSCULAR DYSTROPHY, LIMB-GIRDLE, TYPE 2P; Limb-Girdle Muscular Dystrophy Type 9C. Identifiers: Orphanet 280333, MedGen C4511963, MONDO:0013440, OMIM 613818.
Muscular dystrophy-dystroglycanopathy (congenital with brain and eye anomalies), type A9. Also called: WALKER-WARBURG SYNDROME OR MUSCLE-EYE BRAIN DISEASE, DAG1-RELATED; Muscular dystrophy-dystroglycanopathy (congenital with brain and eye anomalies), type a, 9. Identifiers: Orphanet 370997, Orphanet 899, MedGen C4225291, MONDO:0014683, OMIM 616538.

Allele frequency attached by ClinVar (database versions not stated): gnomAD exomes 0.00004 and 0.00003; ExAC 0.00001; gnomAD 0.00002 and 0.00003; TOPMed 0.00002.
gnomAD v4.1: 47 of 1,614,086 alleles (0.0029%); highest among the groups gnomAD compares: Middle Eastern, 0.033%; no homozygotes.

Submissions (2):

Labcorp Genetics (formerly Invitae), Labcorp
Classification: Uncertain significance for Autosomal recessive limb-girdle muscular dystrophy type 2P; Muscular dystrophy-dystroglycanopathy (congenital with brain and eye anomalies), type A9. Last evaluated: 2024-01-19. Review status: criteria provided, single submitter. Criteria: Invitae Variant Classification Sherloc (09022015). Collection method: clinical testing. Allele origin: germline.
Comment: This sequence change replaces valine, which is neutral and non-polar, with isoleucine, which is neutral and non-polar, at codon 65 of the DAG1 protein (p.Val65Ile). This variant is present in population databases (rs757379579, gnomAD 0.006%). This variant has not been reported in the literature in individuals affected with DAG1-related conditions. ClinVar contains an entry for this variant (Variation ID: 471770). Advanced modeling of protein sequence and biophysical properties (such as structural, functional, and spatial information, amino acid conservation, physicochemical variation, residue mobility, and thermodynamic stability) performed at Invitae indicates that this missense variant is not expected to disrupt DAG1 protein function with a negative predictive value of 80%. In summary, the available evidence is currently insufficient to determine the role of this variant in disease. Therefore, it has been classified as a Variant of Uncertain Significance.

Ambry Genetics
Classification: Uncertain significance for Inborn genetic diseases. Last evaluated: 2021-07-09. Review status: criteria provided, single submitter. Criteria: Ambry Variant Classification Scheme 2023. Collection method: clinical testing. Allele origin: germline.